The following is an entry in ClinVar:

NM_206933.4(USH2A):c.12868C>T (p.Gln4290Ter)

Gene: USH2A (usherin; minus strand). Cytogenetic location: 1q41.
Variant type: single nucleotide variant.
Coding change: c.12868C>T on transcript NM_206933.4 (MANE Select); coding-DNA position 12868, C replaced by T.
Protein change: p.Gln4290Ter; replaces glutamine 4290 with a stop codon.
Molecular consequence: nonsense.
Genome position (GRCh38, 1-based): chr1:215,675,043, G>A on the plus strand (C>T on the coding strand, the complement: USH2A is on the minus strand). VCF-style: chr1-215675043-G-A. GRCh37 (hg19) VCF-style: chr1-215848385-G-A.
Other names: short protein forms Q4290*.
Identifiers: ClinVar variation 48408 (VCV000048408.18), dbSNP rs397517983, ClinGen allele CA262082.

ClinVar aggregate classification (germline): Pathogenic. Review status: criteria provided, multiple submitters, no conflicts (2 of 4 stars). 6 submissions from 5 submitters: Pathogenic (5). 1 of the submissions does not count toward it. Last evaluated 2024-06-25.

Conditions:
Rare genetic deafness. Identifiers: Orphanet 96210, MedGen C5680250.
USH2A-related disorder. Also called: USH2A-related condition; USH2A-related disorders. Identifiers: MedGen CN239332.
Usher syndrome type 2A. Also called: USHER SYNDROME, TYPE IIA; RETINAL DISEASE IN USHER SYNDROME TYPE IIA, MODIFIER OF. Identifiers: Orphanet 231178, Orphanet 886, MedGen C1848634, MONDO:0010169, OMIM 276901.
Retinitis pigmentosa 39 (RP39). Identifiers: Orphanet 791, MedGen C3151138, MONDO:0013436, OMIM 613809.

Allele frequency attached by ClinVar (database versions not stated): gnomAD exomes below 0.00001.
gnomAD v4.1: 1 of 1,614,154 alleles (0.000062%); highest among the groups gnomAD compares: Non-Finnish European, 0.000085%; no homozygotes.

Submissions (6):

Labcorp Genetics (formerly Invitae), Labcorp
Classification: Pathogenic. Last evaluated: 2024-06-25. Review status: criteria provided, single submitter. Criteria: Invitae Variant Classification Sherloc (09022015). Collection method: clinical testing. Allele origin: germline.
Comment: This sequence change creates a premature translational stop signal (p.Gln4290*) in the USH2A gene. It is expected to result in an absent or disrupted protein product. Loss-of-function variants in USH2A are known to be pathogenic (PMID: 10729113, 10909849, 20507924, 25649381). This variant is not present in population databases (gnomAD no frequency). This premature translational stop signal has been observed in individuals with Usher syndrome (PMID: 24944099, 29625443). ClinVar contains an entry for this variant (Variation ID: 48408). For these reasons, this variant has been classified as Pathogenic.

Genome-Nilou Lab
Classification: Pathogenic for Retinitis pigmentosa 39. Last evaluated: 2023-11-04. Review status: criteria provided, single submitter. Criteria: ACMG Guidelines, 2015. Collection method: clinical testing. Allele origin: germline. Affected: no.

Genome-Nilou Lab
Classification: Pathogenic for Usher syndrome type 2A. Last evaluated: 2023-11-04. Review status: criteria provided, single submitter. Criteria: ACMG Guidelines, 2015. Collection method: clinical testing. Allele origin: germline. Affected: no.

Blueprint Genetics
Classification: Pathogenic for USH2A-related disorders. Last evaluated: 2023-02-07. Review status: criteria provided, single submitter. Criteria: ACMG Guidelines, 2015. Collection method: clinical testing. Allele origin: germline. Affected: yes. Observed: 2 variant alleles.

Laboratory for Molecular Medicine, Mass General Brigham Personalized Medicine
Classification: Pathogenic for Rare genetic deafness. Last evaluated: 2011-12-23. Review status: criteria provided, single submitter. Criteria: LMM Criteria. Collection method: clinical testing. Allele origin: germline. Inheritance: Autosomal recessive inheritance. Observed: 2 variant alleles.
Comment: The Gln4290X variant in USH2A has not been reported in the literature nor previo usly identified by our laboratory. However, the Gln4290X variant leads to a prem ature stop codon at position 4290, which is predicted to lead to a truncated or absent protein. In summary, this variant meets our criteria to be classified as pathogenic.

Counsyl
Classification: Pathogenic for Usher syndrome type 2A; Retinitis pigmentosa 39. Last evaluated: 2017-11-02. Review status: no assertion criteria provided. Collection method: clinical testing. Allele origin: unknown. Not counted in ClinVar's aggregate classification.

Literature cited by the submitters: PubMed 10729113 (cited by Labcorp Genetics (formerly Invitae), Labcorp); PubMed 10909849 (cited by Labcorp Genetics (formerly Invitae), Labcorp); PubMed 20507924 (cited by Labcorp Genetics (formerly Invitae), Labcorp); PubMed 25649381 (cited by Labcorp Genetics (formerly Invitae), Labcorp); PubMed 24944099 (cited by Labcorp Genetics (formerly Invitae), Labcorp and Counsyl); PubMed 29625443 (cited by Labcorp Genetics (formerly Invitae), Labcorp).